The following is an entry in ClinVar:

NM_001369.3(DNAH5):c.193-1G>A

Gene: DNAH5 (dynein axonemal heavy chain 5; minus strand). Cytogenetic location: 5p15.2.
Variant type: single nucleotide variant.
Coding change: c.193-1G>A on transcript NM_001369.3 (MANE Select); the canonical splice acceptor site of the intron before coding-DNA position 193, G replaced by A.
Molecular consequence: splice acceptor variant.
Genome position (GRCh38, 1-based): chr5:13,928,179, C>T on the plus strand (G>A on the coding strand, the complement: DNAH5 is on the minus strand). VCF-style: chr5-13928179-C-T. GRCh37 (hg19) VCF-style: chr5-13928288-C-T.
Identifiers: ClinVar variation 951636 (VCV000951636.9), dbSNP rs369193065, ClinGen allele CA359227597.
Genomic context (GRCh38, chr5:13,928,179, plus strand): 5'-ATAGTAAAACATGAGGTGTCGGAGACCTCCAACAGCAAAAAGTTGATCAATTCTTTCAAT[C>T]TGGGAAAAAGAAAAAGGCAAGATAATGATTTTCAATCCAAATTAGAAACTGCAATTAAAT-3'

ClinVar aggregate classification (germline): Likely pathogenic. Review status: criteria provided, multiple submitters, no conflicts (2 of 4 stars). 2 submissions from 2 submitters: Likely pathogenic (2). Last evaluated 2025-04-23.

Conditions:
Primary ciliary dyskinesia. Also called: Ciliary dyskinesia. Identifiers: Orphanet 244, MedGen C0008780, MONDO:0016575, HP:0012265.
Primary ciliary dyskinesia 3. Identifiers: Orphanet 244, MedGen C1837618, MONDO:0012085, OMIM 608644.

Submissions (2):

Myriad Genetics, Inc.
Classification: Likely pathogenic for Primary ciliary dyskinesia 3. Last evaluated: 2025-04-23. Review status: criteria provided, single submitter. Criteria: Myriad Autosomal Dominant, Autosomal Recessive and X-Linked Classification Criteria (2023). Collection method: clinical testing. Allele origin: unknown.
Comment: NM_001369.2(DNAH5):c.193-1G>A is a variant in a canonical splice site classified as likely pathogenic in the context of primary ciliary dyskinesia, DNAH5-related. c.193-1G>A has not been observed in cases with relevant disease. Relevant functional assessments of this variant are not available in the literature. c.193-1G>A has not been observed in referenced population frequency databases. In summary, NM_001369.2(DNAH5):c.193-1G>A is a variant in a canonical splice site in a gene where loss of function is a known mechanism of disease and is predicted to disrupt protein function. Please note: this variant was assessed in the context of healthy population screening.

Labcorp Genetics (formerly Invitae), Labcorp
Classification: Likely pathogenic for Primary ciliary dyskinesia. Last evaluated: 2019-06-20. Review status: criteria provided, single submitter. Criteria: Invitae Variant Classification Sherloc (09022015). Collection method: clinical testing. Allele origin: germline.
Comment: In summary, the currently available evidence indicates that the variant is pathogenic, but additional data are needed to prove that conclusively. Therefore, this variant has been classified as Likely Pathogenic. Donor and acceptor splice site variants typically lead to a loss of protein function (PMID: 16199547), and loss-of-function variants in DNAH5 are known to be pathogenic (PMID: 11788826, 16627867). This sequence change affects an acceptor splice site in intron 2 of the DNAH5 gene. It is expected to disrupt RNA splicing and likely results in an absent or disrupted protein product. This variant is not present in population databases (ExAC no frequency). This variant has not been reported in the literature in individuals with DNAH5-related conditions. Algorithms developed to predict the effect of sequence changes on RNA splicing suggest that this variant may disrupt the consensus splice site, but this prediction has not been confirmed by published transcriptional studies.

Literature cited by the submitters: PubMed 16199547 (cited by Labcorp Genetics (formerly Invitae), Labcorp); PubMed 11788826 (cited by Labcorp Genetics (formerly Invitae), Labcorp); PubMed 16627867 (cited by Labcorp Genetics (formerly Invitae), Labcorp).